The following is an entry in ClinVar:

ClinVar aggregate classification (germline): Uncertain significance (1 of 4 stars; one submission).

Submission:

Ambry Genetics
Classification: Uncertain significance. Last evaluated: 2024-07-28. Review status: criteria provided, single submitter. Criteria: Ambry Variant Classification Scheme 2023. Collection method: clinical testing. Allele origin: germline.
Comment: The p.E1050D variant (also known as c.3150G>T), located in coding exon 17 of the NPAT gene, results from a G to T substitution at nucleotide position 3150. The glutamic acid at codon 1050 is replaced by aspartic acid, an amino acid with highly similar properties. This amino acid position is conserved. In addition, this alteration is predicted to be tolerated by in silico analysis. Based on the available evidence, the clinical significance of this variant remains unclear.

NM_002519.3(NPAT):c.3150G>T (p.Glu1050Asp)

Gene: NPAT (nuclear protein, coactivator of histone transcription; minus strand). Cytogenetic location: 11q22.3.
Variant type: single nucleotide variant.
Coding change: c.3150G>T on transcript NM_002519.3 (MANE Select); coding-DNA position 3150, G replaced by T.
Protein change: p.Glu1050Asp; replaces glutamic acid 1050 with aspartic acid.
Molecular consequence: missense variant.
Genome position (GRCh38, 1-based): chr11:108,161,936, C>A on the plus strand (G>T on the coding strand, the complement: NPAT is on the minus strand). VCF-style: chr11-108161936-C-A. GRCh37 (hg19) VCF-style: chr11-108032663-C-A.
Other names: c.3171G>T, p.Glu1057Asp (NM_001321307.1); short protein forms E1050D, E1057D.
Identifiers: ClinVar variation 3407180 (VCV003407180.1).